The following is an entry in ClinVar:

ClinVar aggregate classification (germline): Uncertain significance (1 of 4 stars; one submission).

Conditions:
Hereditary spastic paraplegia 4. Also called: Familial spastic paraplegia autosomal dominant 2; Spastic paraplegia 4, autosomal dominant; Spastic Paraplegia 4. Identifiers: Orphanet 100985, MedGen C1866855, MONDO:0008438, OMIM 182601.

Submission:

Labcorp Genetics (formerly Invitae), Labcorp
Classification: Uncertain significance for Hereditary spastic paraplegia 4. Last evaluated: 2022-04-13. Review status: criteria provided, single submitter. Criteria: Invitae Variant Classification Sherloc (09022015). Collection method: clinical testing. Allele origin: germline.
Comment: This variant has not been reported in the literature in individuals affected with SPAST-related conditions. In summary, the available evidence is currently insufficient to determine the role of this variant in disease. Therefore, it has been classified as a Variant of Uncertain Significance. Advanced modeling of protein sequence and biophysical properties (such as structural, functional, and spatial information, amino acid conservation, physicochemical variation, residue mobility, and thermodynamic stability) performed at Invitae indicates that this missense variant is expected to disrupt SPAST protein function. This variant is not present in population databases (gnomAD no frequency). This sequence change replaces glycine, which is neutral and non-polar, with valine, which is neutral and non-polar, at codon 419 of the SPAST protein (p.Gly419Val).

NM_014946.4(SPAST):c.1256G>T (p.Gly419Val)

Gene: SPAST (spastin; plus strand). Cytogenetic location: 2p22.3.
Variant type: single nucleotide variant.
Coding change: c.1256G>T on transcript NM_014946.4 (MANE Select); coding-DNA position 1256, G replaced by T.
Protein change: p.Gly419Val; replaces glycine 419 with valine.
Molecular consequence: missense variant.
Genome position (GRCh38, 1-based): chr2:32,136,573, G>T. VCF-style: chr2-32136573-G-T. GRCh37 (hg19) VCF-style: chr2-32361642-G-T.
Other names: c.1253G>T, p.Gly418Val (NM_001363823.2); c.1157G>T, p.Gly386Val (NM_001363875.2); c.1160G>T, p.Gly387Val (NM_001377959.1, NM_199436.2); short protein forms G418V, G419V, G387V, G386V.
Identifiers: ClinVar variation 2125906 (VCV002125906.4), dbSNP rs2465882949, ClinGen allele CA346501856.